The following is an entry in ClinVar:

ClinVar aggregate classification (germline): Benign/Likely benign. Review status: criteria provided, multiple submitters, no conflicts (2 of 4 stars). 5 submissions from 5 submitters: Benign (1); Likely benign (4). Last evaluated 2025-10-29.

Conditions:
Hereditary cancer-predisposing syndrome. Also called: Tumor predisposition; Hereditary Cancer Syndrome; Hereditary neoplastic syndrome; Neoplastic Syndromes, Hereditary. Identifiers: Orphanet 140162, MedGen C0027672, MeSH D009386, MONDO:0015356.
Familial cancer of breast. Also called: hereditary breast carcinoma; BREAST CANCER, FAMILIAL; Hereditary breast cancer. Identifiers: Orphanet 227535, MedGen C0346153, MONDO:0016419, OMIM 114480. Disease mechanism: loss of function.
Ataxia-telangiectasia syndrome (AT). Also called: Ataxia telangiectasia (A-T); LOUIS-BAR SYNDROME; Cerebello-oculocutaneous telangiectasia; Immunodeficiency with ataxia telangiectasia; ATAXIA-TELANGIECTASIA, COMPLEMENTATION GROUP A; ATAXIA-TELANGIECTASIA, FRESNO VARIANT. Identifiers: Orphanet 100, MedGen C0004135, MONDO:0008840, OMIM 208900.

Allele frequency attached by ClinVar (database versions not stated): gnomAD exomes below 0.00001; TOPMed below 0.00001.
gnomAD v4.1: 1 of 1,613,806 alleles (0.000062%); highest among the groups gnomAD compares: Admixed American, 0.0017%; no homozygotes.

Submissions (5):

Labcorp Genetics (formerly Invitae), Labcorp
Classification: Likely benign for Ataxia-telangiectasia syndrome. Last evaluated: 2025-10-29. Review status: criteria provided, single submitter. Criteria: Invitae Variant Classification Sherloc (09022015). Collection method: clinical testing. Allele origin: germline.

Myriad Genetics, Inc.
Classification: Benign for Familial cancer of breast. Last evaluated: 2024-04-22. Review status: criteria provided, single submitter. Criteria: Myriad Autosomal Dominant, Autosomal Recessive and X-Linked Classification Criteria (2023). Collection method: clinical testing. Allele origin: unknown.
Comment: This variant is considered benign. This variant is a silent/synonymous amino acid change and it is not expected to impact splicing.

Sema4
Classification: Likely benign for Hereditary cancer-predisposing syndrome. Last evaluated: 2021-04-14. Review status: criteria provided, single submitter. Criteria: Sema4 Curation Guidelines. Collection method: curation. Allele origin: germline.

Color Diagnostics, LLC DBA Color Health
Classification: Likely benign for Hereditary cancer-predisposing syndrome. Last evaluated: 2020-01-27. Review status: criteria provided, single submitter. Criteria: ACMG Guidelines, 2015. Collection method: clinical testing. Allele origin: germline.

Ambry Genetics
Classification: Likely benign for Hereditary cancer-predisposing syndrome. Last evaluated: 2015-11-25. Review status: criteria provided, single submitter. Criteria: Ambry Variant Classification Scheme 2023. Collection method: clinical testing. Allele origin: germline.

NM_000051.4(ATM):c.612A>G (p.Gly204=)

Gene: ATM (ATM serine/threonine kinase; plus strand). Cytogenetic location: 11q22.3.
Variant type: single nucleotide variant.
Coding change: c.612A>G on transcript NM_000051.4 (MANE Select); coding-DNA position 612, A replaced by G.
Protein change: p.Gly204=; no amino-acid change (glycine 204 retained).
Molecular consequence: synonymous variant.
Genome position (GRCh38, 1-based): chr11:108,244,068, A>G. VCF-style: chr11-108244068-A-G. GRCh37 (hg19) VCF-style: chr11-108114795-A-G.
Other names: c.612A>G, p.Gly204= (NM_001351834.2).
Identifiers: ClinVar variation 236747 (VCV000236747.19), dbSNP rs878853527, ClinGen allele CA10582788.
Genomic context (GRCh38, chr11:108,244,068, plus strand): 5'-AGTTTTAGTGGCTAGAATAATTCATGCTGTTACCAAAGGATGCTGTTCTCAGACTGACGG[A>G]TTAAATTCCAAATTTTTGGACTTTTTTTCCAAGGCTATTCAGTGTGCGAGGTAATCTAAT-3'
Protein context (NP_000042.3, residues 194-214): VTKGCCSQTD[Gly204=]LNSKFLDFFS